The following is an entry in ClinVar:

NM_030957.4(ADAMTS10):c.89A>G (p.Asp30Gly)

Gene: ADAMTS10 (ADAM metallopeptidase with thrombospondin type 1 motif 10; minus strand). Cytogenetic location: 19p13.2.
Variant type: single nucleotide variant.
Coding change: c.89A>G on transcript NM_030957.4 (MANE Select); coding-DNA position 89, A replaced by G.
Protein change: p.Asp30Gly; replaces aspartic acid 30 with glycine.
Molecular consequence: missense variant.
Genome position (GRCh38, 1-based): chr19:8,605,358, T>C on the plus strand (A>G on the coding strand, the complement: ADAMTS10 is on the minus strand). VCF-style: chr19-8605358-T-C. GRCh37 (hg19) VCF-style: chr19-8670243-T-C.
Other names: c.89A>G (NM_030957.2); short protein forms D30G.
Identifiers: ClinVar variation 2040881 (VCV002040881.2), dbSNP rs1555742371, ClinGen allele CA403757972.

ClinVar aggregate classification (germline): Uncertain significance. Review status: criteria provided, multiple submitters, no conflicts (2 of 4 stars). 2 submissions from 2 submitters: Uncertain significance (2). Last evaluated 2023-11-13.

Conditions:
Inborn genetic diseases. Identifiers: MedGen C0950123, MeSH D030342.

Allele frequency attached by ClinVar (database versions not stated): gnomAD exomes below 0.00001; TOPMed below 0.00001; gnomAD 0.00001.
gnomAD v4.1: 4 of 1,595,782 alleles (0.00025%); highest among the groups gnomAD compares: Middle Eastern, 0.017%; no homozygotes.

Submissions (2):

Ambry Genetics
Classification: Uncertain significance for Inborn genetic diseases. Last evaluated: 2023-11-13. Review status: criteria provided, single submitter. Criteria: Ambry Variant Classification Scheme 2023. Collection method: clinical testing. Allele origin: germline.

Labcorp Genetics (formerly Invitae), Labcorp
Classification: Uncertain significance. Last evaluated: 2022-01-15. Review status: criteria provided, single submitter. Criteria: Invitae Variant Classification Sherloc (09022015). Collection method: clinical testing. Allele origin: germline.
Comment: This sequence change replaces aspartic acid, which is acidic and polar, with glycine, which is neutral and non-polar, at codon 30 of the ADAMTS10 protein (p.Asp30Gly). The frequency data for this variant in the population databases is considered unreliable, as metrics indicate poor data quality at this position in the gnomAD database. This variant has not been reported in the literature in individuals affected with ADAMTS10-related conditions. Algorithms developed to predict the effect of missense changes on protein structure and function output the following: SIFT: "Tolerated"; PolyPhen-2: "Benign"; Align-GVGD: "Class C0". The glycine amino acid residue is found in multiple mammalian species, which suggests that this missense change does not adversely affect protein function. Algorithms developed to predict the effect of sequence changes on RNA splicing suggest that this variant may create or strengthen a splice site. In summary, the available evidence is currently insufficient to determine the role of this variant in disease. Therefore, it has been classified as a Variant of Uncertain Significance.